The following is an entry in ClinVar:

ClinVar aggregate classification (germline): Uncertain significance. Review status: criteria provided, multiple submitters, no conflicts (2 of 4 stars). 2 submissions from 2 submitters: Uncertain significance (2). Last evaluated 2022-10-07.

Conditions:
Inborn genetic diseases. Identifiers: MedGen C0950123, MeSH D030342.

Allele frequency attached by ClinVar (database versions not stated): gnomAD exomes 0.00001; ExAC 0.00002; gnomAD 0.00003; TOPMed 0.00005.
gnomAD v4.1: 16 of 1,612,518 alleles (0.00099%); highest among the groups gnomAD compares: Admixed American, 0.025%; no homozygotes.

Submissions (2):

Labcorp Genetics (formerly Invitae), Labcorp
Classification: Uncertain significance. Last evaluated: 2022-10-07. Review status: criteria provided, single submitter. Criteria: Invitae Variant Classification Sherloc (09022015). Collection method: clinical testing. Allele origin: germline.
Comment: This sequence change replaces proline, which is neutral and non-polar, with leucine, which is neutral and non-polar, at codon 139 of the LIFR protein (p.Pro139Leu). This variant is present in population databases (rs772232947, gnomAD 0.01%). This variant has not been reported in the literature in individuals affected with LIFR-related conditions. Algorithms developed to predict the effect of missense changes on protein structure and function output the following: SIFT: "Tolerated"; PolyPhen-2: "Possibly Damaging"; Align-GVGD: "Class C0". The leucine amino acid residue is found in multiple mammalian species, which suggests that this missense change does not adversely affect protein function. In summary, the available evidence is currently insufficient to determine the role of this variant in disease. Therefore, it has been classified as a Variant of Uncertain Significance.

Ambry Genetics
Classification: Uncertain significance for Inborn genetic diseases. Last evaluated: 2022-06-28. Review status: criteria provided, single submitter. Criteria: Ambry Variant Classification Scheme 2023. Collection method: clinical testing. Allele origin: germline.

NM_001127671.2(LIFR):c.416C>T (p.Pro139Leu)

Gene: LIFR (LIF receptor subunit alpha; minus strand). Cytogenetic location: 5p13.1.
Variant type: single nucleotide variant.
Coding change: c.416C>T on transcript NM_001127671.2 (MANE Select); coding-DNA position 416, C replaced by T.
Protein change: p.Pro139Leu; replaces proline 139 with leucine.
Molecular consequence: missense variant.
Genome position (GRCh38, 1-based): chr5:38,523,564, G>A on the plus strand (C>T on the coding strand, the complement: LIFR is on the minus strand). VCF-style: chr5-38523564-G-A. GRCh37 (hg19) VCF-style: chr5-38523666-G-A.
Other names: c.416C>T, p.Pro139Leu (NM_001364297.2, NM_001364298.2, NM_002310.6); c.416C>T (NM_002310.5); short protein forms P139L.
Identifiers: ClinVar variation 2190225 (VCV002190225.2), dbSNP rs772232947, ClinGen allele CA3243215.